The following is an entry in ClinVar:

NM_000368.5(TSC1):c.2285A>C (p.Asn762Thr)

Gene: TSC1 (TSC complex subunit 1; minus strand). Cytogenetic location: 9q34.13.
Variant type: single nucleotide variant.
Coding change: c.2285A>C on transcript NM_000368.5 (MANE Select); coding-DNA position 2285, A replaced by C.
Protein change: p.Asn762Thr; replaces asparagine 762 with threonine.
Molecular consequence: missense variant. On other transcripts: non-coding transcript variant (5).
Genome position (GRCh38, 1-based): chr9:132,902,711, T>G on the plus strand (A>C on the coding strand, the complement: TSC1 is on the minus strand). VCF-style: chr9-132902711-T-G. GRCh37 (hg19) VCF-style: chr9-135778098-T-G.
Other names: c.2282A>C, p.Asn761Thr (NM_001162426.2, NM_001406597.1, NM_001406608.1 and 4 more transcripts); c.2132A>C, p.Asn711Thr (NM_001162427.2, NM_001406610.1); c.1922A>C, p.Asn641Thr (NM_001362177.2, NM_001406614.1, NM_001406615.1 and 5 more transcripts); c.2285A>C, p.Asn762Thr (NM_001406592.1, NM_001406593.1, NM_001406594.1 and 5 more transcripts); c.2129A>C, p.Asn710Thr (NM_001406611.1, NM_001406612.1, NM_001406613.1); c.1331A>C, p.Asn444Thr (NM_001406627.1, NM_001406628.1); c.1232A>C, p.Asn411Thr (NM_001406629.1, NM_001406630.1); c.2270A>C, p.Asn757Thr (NM_001406601.1, NM_001406602.1); and 3 more; short protein forms N710T, N411T, N756T, N761T, N444T, N641T, N445T, N640T.
Identifiers: ClinVar variation 3662540 (VCV003662540.3).

ClinVar aggregate classification (germline): Conflicting classifications of pathogenicity. Review status: criteria provided, conflicting classifications (1 of 4 stars). 2 submissions from 2 submitters: Uncertain significance (1); Likely benign (1). Last evaluated 2026-02-03.

Conditions:
Hereditary cancer-predisposing syndrome. Also called: Hereditary Cancer Syndrome; Neoplastic Syndromes, Hereditary; Tumor predisposition; Hereditary neoplastic syndrome. Identifiers: Orphanet 140162, MedGen C0027672, MeSH D009386, MONDO:0015356.
Tuberous sclerosis 1 (TSC1). Identifiers: Orphanet 805, MedGen C1854465, MONDO:0008612, OMIM 191100.

Submissions (2):

Ambry Genetics
Classification: Likely benign for Hereditary cancer-predisposing syndrome. Last evaluated: 2026-02-03. Review status: criteria provided, single submitter. Criteria: Ambry Variant Classification Scheme 2023. Collection method: clinical testing. Allele origin: germline.

Labcorp Genetics (formerly Invitae), Labcorp
Classification: Uncertain significance for Tuberous sclerosis 1. Last evaluated: 2024-08-15. Review status: criteria provided, single submitter. Criteria: Invitae Variant Classification Sherloc (09022015). Collection method: clinical testing. Allele origin: germline.
Comment: This sequence change replaces asparagine, which is neutral and polar, with threonine, which is neutral and polar, at codon 762 of the TSC1 protein (p.Asn762Thr). This variant is not present in population databases (gnomAD no frequency). This variant has not been reported in the literature in individuals affected with TSC1-related conditions. Invitae Evidence Modeling of protein sequence and biophysical properties (such as structural, functional, and spatial information, amino acid conservation, physicochemical variation, residue mobility, and thermodynamic stability) indicates that this missense variant is not expected to disrupt TSC1 protein function with a negative predictive value of 95%. In summary, the available evidence is currently insufficient to determine the role of this variant in disease. Therefore, it has been classified as a Variant of Uncertain Significance.